The following is an entry in ClinVar:

NM_017514.5(PLXNA3):c.855C>T (p.Arg285=)

Gene: PLXNA3 (plexin A3; plus strand). Cytogenetic location: Xq28.
Variant type: single nucleotide variant.
Coding change: c.855C>T on transcript NM_017514.5 (MANE Select); coding-DNA position 855, C replaced by T.
Protein change: p.Arg285=; no amino-acid change (arginine 285 retained).
Molecular consequence: synonymous variant.
Genome position (GRCh38, 1-based): chrX:154,461,359, C>T. VCF-style: chrX-154461359-C-T. GRCh37 (hg19) VCF-style: chrX-153689699-C-T.
Identifiers: ClinVar variation 2661828 (VCV002661828.25), dbSNP rs192841912, ClinGen allele CA10563834.
Genomic context (GRCh38, chrX:154,461,359, plus strand): 5'-GTGCGCGGGAGACTCAGAGTTCTACTCATACGTGGAATTCCCCATCGGCTGCTCCTGGCG[C>T]GGCGTGGAGTACCGCTTGGTGCAGAGCGCCCACCTGGCCAAGCCTGGCCTGCTGCTGGCC-3'
Protein context (NP_059984.3, residues 275-295): YVEFPIGCSW[Arg285=]GVEYRLVQSA

ClinVar aggregate classification (germline): Likely benign. Review status: criteria provided, single submitter (1 of 4 stars). 2 submissions from 2 submitters: Likely benign (1). 1 of the submissions does not count toward it. Last evaluated 2022-07-01.

Conditions:
PLXNA3-related disorder. Also called: PLXNA3-related condition.

Allele frequency attached by ClinVar (database versions not stated): TOPMed 0.00008; gnomAD 0.00013; gnomAD exomes 0.00013; ExAC 0.00023; 1000 Genomes Project 30x 0.00042; 1000 Genomes Project 0.00053.
gnomAD v4.1: 159 of 1,211,257 alleles (0.013%); highest among the groups gnomAD compares: Middle Eastern, 0.046%; no homozygotes.

Submissions (2):

CeGaT Center for Human Genetics Tuebingen
Classification: Likely benign. Last evaluated: 2022-07-01. Review status: criteria provided, single submitter. Criteria: CeGaT Center For Human Genetics Tuebingen Variant Classification Criteria Version 2. Collection method: clinical testing. Allele origin: germline. Affected: yes. Observed: 1 variant allele.
Comment: PLXNA3: BP4, BP7

PreventionGenetics, part of Exact Sciences
Classification: Likely benign for PLXNA3-related condition. Last evaluated: 2021-07-01. Review status: no assertion criteria provided. Collection method: clinical testing. Allele origin: germline. Not counted in ClinVar's aggregate classification.
Comment: This variant is classified as likely benign based on ACMG/AMP sequence variant interpretation guidelines (Richards et al. 2015 PMID: 25741868, with internal and published modifications).